The following is an entry in ClinVar:

NM_182961.4(SYNE1):c.7858C>A (p.Gln2620Lys)

Gene: SYNE1 (spectrin repeat containing nuclear envelope protein 1; minus strand). Cytogenetic location: 6q25.2.
Variant type: single nucleotide variant.
Coding change: c.7858C>A on transcript NM_182961.4 (MANE Select); coding-DNA position 7858, C replaced by A.
Protein change: p.Gln2620Lys; replaces glutamine 2620 with lysine.
Molecular consequence: missense variant.
Genome position (GRCh38, 1-based): chr6:152,391,423, G>T on the plus strand (C>A on the coding strand, the complement: SYNE1 is on the minus strand). VCF-style: chr6-152391423-G-T. GRCh37 (hg19) VCF-style: chr6-152712558-G-T.
Other names: c.7879C>A, p.Gln2627Lys (NM_033071.5); short protein forms Q2620K, Q2627K.
Identifiers: ClinVar variation 2130691 (VCV002130691.4), dbSNP rs2493080037, ClinGen allele CA366109013.
Genomic context (GRCh38, chr6:152,391,423, plus strand): 5'-CCCAGAACCACATGCTTTGCAGTGCTTCCTCCAGGGCTTCGTGCTCCTGAAGGGCCACCT[G>T]GCAGCTCCGGAGTTTCTCTTTGGTCATTCTAAGTAGGTTCTGGTGGCTTGTGAGGAGCTG-3'
Protein context (NP_892006.3, residues 2610-2630): RMTKEKLRSC[Gln2620Lys]VALQEHEALE

ClinVar aggregate classification (germline): Uncertain significance (1 of 4 stars; one submission).

Conditions:
Autosomal recessive ataxia, Beauce type. Also called: SYNE1-Related Autosomal Recessive Cerebellar Ataxia; Spinocerebellar ataxia, autosomal recessive 8; ATAXIA, RECESSIVE, OF BEAUCE; SYNE1 Deficiency. Identifiers: Orphanet 88644, MedGen C1853116, MONDO:0012549, OMIM 610743.
Emery-Dreifuss muscular dystrophy 4, autosomal dominant (EDMD4). Also called: EMERY-DREIFUSS MUSCULAR DYSTROPHY 4 WITH VARIABLE FEATURES. Identifiers: Orphanet 261, MedGen C2751807, MONDO:0013071, OMIM 612998.

Submission:

Labcorp Genetics (formerly Invitae), Labcorp
Classification: Uncertain significance for Emery-Dreifuss muscular dystrophy 4, autosomal dominant; Autosomal recessive ataxia, Beauce type. Last evaluated: 2022-04-25. Review status: criteria provided, single submitter. Criteria: Invitae Variant Classification Sherloc (09022015). Collection method: clinical testing. Allele origin: germline.
Comment: In summary, the available evidence is currently insufficient to determine the role of this variant in disease. Therefore, it has been classified as a Variant of Uncertain Significance. Algorithms developed to predict the effect of missense changes on protein structure and function (SIFT, PolyPhen-2, Align-GVGD) all suggest that this variant is likely to be disruptive. This variant has not been reported in the literature in individuals affected with SYNE1-related conditions. This variant is not present in population databases (gnomAD no frequency). This sequence change replaces glutamine, which is neutral and polar, with lysine, which is basic and polar, at codon 2627 of the SYNE1 protein (p.Gln2627Lys).